The following is an entry in ClinVar:

NM_000049.4(ASPA):c.621T>C (p.His207=)

Genes: ASPA (aspartoacylase; plus strand), SPATA22 (spermatogenesis associated 22; minus strand). Cytogenetic location: 17p13.2.
Variant type: single nucleotide variant.
Coding change: c.621T>C on transcript NM_000049.4 (MANE Select); coding-DNA position 621, T replaced by C.
Protein change: p.His207=; no amino-acid change (histidine 207 retained).
Molecular consequence: synonymous variant. On other transcripts: intron variant (2).
Genome position (GRCh38, 1-based): chr17:3,489,329, T>C. VCF-style: chr17-3489329-T-C. GRCh37 (hg19) VCF-style: chr17-3392623-T-C.
Other names: c.-73-19931A>G (NM_001321337.2, NM_001321336.2); c.621T>C, p.His207= (NM_001128085.1).
Identifiers: ClinVar variation 698328 (VCV000698328.51), dbSNP rs369805590, ClinGen allele CA8288979.

ClinVar aggregate classification (germline): Likely benign. Review status: criteria provided, multiple submitters, no conflicts (2 of 4 stars). 4 submissions from 4 submitters: Likely benign (3). 1 of the submissions does not count toward it. Last evaluated 2026-01-25.

Conditions:
Spongy degeneration of central nervous system. Also called: Von Bogaert-Bertrand disease; ACY2 DEFICIENCY; AMINOACYLASE 2 DEFICIENCY; ASP DEFICIENCY; ASPA DEFICIENCY; ASPARTOACYLASE DEFICIENCY. Identifiers: Orphanet 141, MedGen C0206307, MONDO:0010079, OMIM 271900.

Allele frequency attached by ClinVar (database versions not stated): ESP Exome Variant Server 0.00008; gnomAD 0.00020 and 0.00017; ExAC 0.00007; gnomAD exomes 0.00010 and 0.00015; TOPMed 0.00012.
gnomAD v4.1: 243 of 1,605,522 alleles (0.015%); highest among the groups gnomAD compares: Non-Finnish European, 0.019%; no homozygotes.

Submissions (4):

Labcorp Genetics (formerly Invitae), Labcorp
Classification: Likely benign for Spongy degeneration of central nervous system. Last evaluated: 2026-01-25. Review status: criteria provided, single submitter. Criteria: Invitae Variant Classification Sherloc (09022015). Collection method: clinical testing. Allele origin: germline.

Blueprint Genetics
Classification: Likely benign. Last evaluated: 2024-09-17. Review status: criteria provided, single submitter. Criteria: ACMG Guidelines, 2015. Collection method: clinical testing. Allele origin: germline.

CeGaT Center for Human Genetics Tuebingen
Classification: Likely benign. Last evaluated: 2022-06-01. Review status: criteria provided, single submitter. Criteria: CeGaT Center For Human Genetics Tuebingen Variant Classification Criteria Version 2. Collection method: clinical testing. Allele origin: germline. Affected: yes. Observed: 1 variant allele.
Comment: ASPA: BP4, BP7

Natera, Inc.
Classification: Likely benign for Canavan Disease. Last evaluated: 2020-10-19. Review status: no assertion criteria provided. Collection method: clinical testing. Allele origin: germline. Not counted in ClinVar's aggregate classification.